The following is an entry in ClinVar:

NM_170699.3(GPBAR1):c.976G>A (p.Asp326Asn)

Gene: GPBAR1 (G protein-coupled bile acid receptor 1; plus strand). Cytogenetic location: 2q35.
Variant type: single nucleotide variant.
Coding change: c.976G>A on transcript NM_170699.3 (MANE Select); coding-DNA position 976, G replaced by A.
Protein change: p.Asp326Asn; replaces aspartic acid 326 with asparagine.
Molecular consequence: missense variant.
Genome position (GRCh38, 1-based): chr2:218,263,700, G>A. VCF-style: chr2-218263700-G-A. GRCh37 (hg19) VCF-style: chr2-219128423-G-A.
Other names: c.976G>A, p.Asp326Asn (NM_001077191.2, NM_001077194.2, NM_001321950.2); c.976G>A (NM_001321950.1); short protein forms D326N.
Identifiers: ClinVar variation 3101207 (VCV003101207.2), dbSNP rs200372685, ClinGen allele CA2102743.

ClinVar aggregate classification (germline): Uncertain significance. Review status: criteria provided, multiple submitters, no conflicts (2 of 4 stars). 2 submissions from 2 submitters: Uncertain significance (2). Last evaluated 2025-11-14.

Conditions:
GPBAR1-related disorder. Also called: GPBAR1-related condition.

Allele frequency attached by ClinVar (database versions not stated): gnomAD 0.00004.

Submissions (2):

PreventionGenetics, part of Exact Sciences
Classification: Uncertain significance for GPBAR1-related condition. Last evaluated: 2025-11-14. Review status: criteria provided, single submitter. Criteria: ACMG Guidelines, 2015. Collection method: clinical testing. Allele origin: germline.
Comment: The GPBAR1 c.976G>A variant is predicted to result in the amino acid substitution p.Asp326Asn. To our knowledge, this variant has not been reported in the literature. This variant is reported in 0.0058% of alleles in individuals of Latino descent in gnomAD. At this time, the clinical significance of this variant is uncertain due to the absence of conclusive functional and genetic evidence.

Ambry Genetics
Classification: Uncertain significance. Last evaluated: 2023-11-03. Review status: criteria provided, single submitter. Criteria: Ambry Variant Classification Scheme 2023. Collection method: clinical testing. Allele origin: germline.